The following is an entry in ClinVar:

NM_001270447.2(ACADVL):c.111G>A (p.Ala37=)

Genes: ACADVL (acyl-CoA dehydrogenase very long chain; plus strand), DLG4 (discs large MAGUK scaffold protein 4; minus strand). Cytogenetic location: 17p13.1.
Variant type: single nucleotide variant.
Coding change: c.111G>A on transcript NM_001270447.2; coding-DNA position 111, G replaced by A.
Protein change: p.Ala37=; no amino-acid change (alanine 37 retained).
Molecular consequence: synonymous variant. On other transcripts: intron variant (2).
Genome position (GRCh38, 1-based): chr17:7,217,798, G>A. VCF-style: chr17-7217798-G-A. GRCh37 (hg19) VCF-style: chr17-7121117-G-A.
Other names: c.159+443C>T (NM_001365.5, NM_001321074.1).
Identifiers: ClinVar variation 4872973 (VCV004872973.2).

ClinVar aggregate classification (germline): Likely benign (1 of 4 stars; one submission).

gnomAD v4.1: 16 of 1,535,180 alleles (0.001%); highest among the groups gnomAD compares: Middle Eastern, 0.033%; 1 homozygote.

Submission:

CeGaT Center for Human Genetics Tuebingen
Classification: Likely benign. Last evaluated: 2026-05-01. Review status: criteria provided, single submitter. Criteria: CeGaT Center For Human Genetics Tuebingen Variant Classification Criteria Version 2. Collection method: clinical testing. Allele origin: germline. Affected: yes. Observed: 1 variant allele.
Comment: ACADVL: BP4, BP7